The following is an entry in ClinVar:

NM_006015.6(ARID1A):c.3067T>G (p.Trp1023Gly)

Gene: ARID1A (AT-rich interaction domain 1A; plus strand). Cytogenetic location: 1p36.11.
Variant type: single nucleotide variant.
Coding change: c.3067T>G on transcript NM_006015.6 (MANE Select); coding-DNA position 3067, T replaced by G.
Protein change: p.Trp1023Gly; replaces tryptophan 1023 with glycine.
Molecular consequence: missense variant.
Genome position (GRCh38, 1-based): chr1:26,767,868, T>G. VCF-style: chr1-26767868-T-G. GRCh37 (hg19) VCF-style: chr1-27094359-T-G.
Other names: c.3067T>G, p.Trp1023Gly (NM_139135.4); short protein forms W1023G.
Identifiers: ClinVar variation 2442202 (VCV002442202.2), dbSNP rs1557612048, ClinGen allele CA339163164.

ClinVar aggregate classification (germline): Likely pathogenic. Review status: criteria provided, multiple submitters, no conflicts (2 of 4 stars). 2 submissions from 2 submitters: Likely pathogenic (2). Last evaluated 2025-03-11.

Conditions:
Intellectual disability, autosomal dominant 14 (CSS2). Also called: COFFIN-SIRIS SYNDROME 2. Identifiers: Orphanet 1465, MedGen C3553247, MONDO:0013819, OMIM 614607.

Submissions (2):

Variantyx, Inc.
Classification: Likely pathogenic for Intellectual disability, autosomal dominant 14. Last evaluated: 2025-03-11. Review status: criteria provided, single submitter. Criteria: Variantyx Assertion Criteria 2022. Collection method: clinical testing. Allele origin: de novo.
Comment: This is a nonsynonymous variant located in the DNA binding domain of the ARID1A gene (OMIM: 603024). Pathogenic variants in this gene have been associated with autosomal dominant Coffin-Siris syndrome 2. Multiple computational algorithms predict a deleterious effect for this variant (REVEL score: 0.709) (PP3). This variant is absent from control populations (PM2_Supporting). The clinical symptoms reported for the proband are highly specific for autosomal dominant Coffin-Siris syndrome 2, which has a limited genetic etiology (PMID: 35579625) (PP4). Based on the current evidence, this variant is classified as likely pathogenic for autosomal dominant Coffin-Siris syndrome 2.

Baylor Genetics
Classification: Likely pathogenic for Intellectual disability, autosomal dominant 14. Last evaluated: 2021-02-25. Review status: criteria provided, single submitter. Criteria: ACMG Guidelines, 2015. Collection method: clinical testing. Allele origin: unknown.